The following is an entry in ClinVar:

NM_018136.5(ASPM):c.10193G>A (p.Arg3398His)

Gene: ASPM (assembly factor for spindle microtubules; minus strand). Cytogenetic location: 1q31.3.
Variant type: single nucleotide variant.
Coding change: c.10193G>A on transcript NM_018136.5 (MANE Select); coding-DNA position 10193, G replaced by A.
Protein change: p.Arg3398His; replaces arginine 3398 with histidine.
Molecular consequence: missense variant.
Genome position (GRCh38, 1-based): chr1:197,086,941, C>T on the plus strand (G>A on the coding strand, the complement: ASPM is on the minus strand). VCF-style: chr1-197086941-C-T. GRCh37 (hg19) VCF-style: chr1-197056071-C-T.
Other names: c.5438G>A, p.Arg1813His (NM_001206846.2); short protein forms R3398H, R1813H.
Identifiers: ClinVar variation 4711458 (VCV004711458.1).

ClinVar aggregate classification (germline): Uncertain significance (1 of 4 stars; one submission).

gnomAD v4.1: 101 of 1,610,092 alleles (0.0063%); highest among the groups gnomAD compares: Middle Eastern, 0.02%; no homozygotes.

Submission:

Labcorp Genetics (formerly Invitae), Labcorp
Classification: Uncertain significance. Last evaluated: 2025-09-09. Review status: criteria provided, single submitter. Criteria: Invitae Variant Classification Sherloc (09022015). Collection method: clinical testing. Allele origin: germline.
Comment: This sequence change replaces arginine, which is basic and polar, with histidine, which is basic and polar, at codon 3398 of the ASPM protein (p.Arg3398His). This variant is present in population databases (rs372574057, gnomAD 0.02%). This variant has not been reported in the literature in individuals affected with ASPM-related conditions. An algorithm developed to predict the effect of missense changes on protein structure and function (PolyPhen-2) suggests that this variant is likely to be disruptive. In summary, the available evidence is currently insufficient to determine the role of this variant in disease. Therefore, it has been classified as a Variant of Uncertain Significance.